The following is an entry in ClinVar:

ClinVar aggregate classification (germline): Uncertain significance (1 of 4 stars; one submission).

Conditions:
Inborn genetic diseases. Identifiers: MedGen C0950123, MeSH D030342.

Submission:

Ambry Genetics
Classification: Uncertain significance for Inborn genetic diseases. Last evaluated: 2022-02-21. Review status: criteria provided, single submitter. Criteria: Ambry Variant Classification Scheme 2023. Collection method: clinical testing. Allele origin: germline.
Comment: The p.L191R variant (also known as c.572T>G), located in coding exon 3 of the HSPB1 gene, results from a T to G substitution at nucleotide position 572. The leucine at codon 191 is replaced by arginine, an amino acid with dissimilar properties. This amino acid position is conserved. In addition, the in silico prediction for this alteration is inconclusive. Since supporting evidence is limited at this time, the clinical significance of this alteration remains unclear.

NM_001540.5(HSPB1):c.572T>G (p.Leu191Arg)

Gene: HSPB1 (heat shock protein family B (small) member 1; plus strand). Cytogenetic location: 7q11.23.
Variant type: single nucleotide variant.
Coding change: c.572T>G on transcript NM_001540.5 (MANE Select); coding-DNA position 572, T replaced by G.
Protein change: p.Leu191Arg; replaces leucine 191 with arginine.
Molecular consequence: missense variant.
Genome position (GRCh38, 1-based): chr7:76,304,127, T>G. VCF-style: chr7-76304127-T-G. GRCh37 (hg19) VCF-style: chr7-75933444-T-G.
Other names: short protein forms L191R.
Identifiers: ClinVar variation 1749329 (VCV001749329.2), dbSNP rs566147163, ClinGen allele CA367767257.